The following is an entry in ClinVar:

NM_020806.5(GPHN):c.1142G>A (p.Arg381Gln)

Gene: GPHN (gephyrin; plus strand). Cytogenetic location: 14q23.3.
Variant type: single nucleotide variant.
Coding change: c.1142G>A on transcript NM_020806.5 (MANE Select); coding-DNA position 1142, G replaced by A.
Protein change: p.Arg381Gln; replaces arginine 381 with glutamine.
Molecular consequence: missense variant.
Genome position (GRCh38, 1-based): chr14:67,058,784, G>A. VCF-style: chr14-67058784-G-A. GRCh37 (hg19) VCF-style: chr14-67525501-G-A.
Other names: c.1142G>A (NM_020806.4); c.1043G>A, p.Arg348Gln (NM_001024218.2); c.1202G>A, p.Arg401Gln (NM_001377514.1); c.1172G>A, p.Arg391Gln (NM_001377515.1); c.1163G>A, p.Arg388Gln (NM_001377516.1); c.1115G>A, p.Arg372Gln (NM_001377517.1); c.1100G>A, p.Arg367Gln (NM_001377518.1); c.1082G>A, p.Arg361Gln (NM_001377519.1); short protein forms R391Q, R348Q, R367Q, R381Q, R388Q, R361Q, R372Q, R401Q.
Identifiers: ClinVar variation 2190105 (VCV002190105.6), dbSNP rs200511259, ClinGen allele CA7233948.

ClinVar aggregate classification (germline): Uncertain significance. Review status: criteria provided, multiple submitters, no conflicts (2 of 4 stars). 2 submissions from 2 submitters: Uncertain significance (2). Last evaluated 2025-05-11.

Conditions:
Inborn genetic diseases. Identifiers: MedGen C0950123, MeSH D030342.
Sulfite oxidase deficiency due to molybdenum cofactor deficiency type C. Also called: Molybdenum cofactor deficiency, complementation group C; Molybdenum cofactor deficiency C. Identifiers: Orphanet 308400, Orphanet 833, MedGen C1854990, MONDO:0014212, OMIM 615501.

Allele frequency attached by ClinVar (database versions not stated): ExAC 0.00001; gnomAD 0.00001; gnomAD exomes 0.00001; TOPMed 0.00001; 1000 Genomes Project 30x 0.00016; 1000 Genomes Project 0.00020.

Submissions (2):

Labcorp Genetics (formerly Invitae), Labcorp
Classification: Uncertain significance for Sulfite oxidase deficiency due to molybdenum cofactor deficiency type C. Last evaluated: 2025-05-11. Review status: criteria provided, single submitter. Criteria: Invitae Variant Classification Sherloc (09022015). Collection method: clinical testing. Allele origin: germline.
Comment: This sequence change replaces arginine, which is basic and polar, with glutamine, which is neutral and polar, at codon 381 of the GPHN protein (p.Arg381Gln). This variant is present in population databases (rs200511259, gnomAD 0.006%). This variant has not been reported in the literature in individuals affected with GPHN-related conditions. ClinVar contains an entry for this variant (Variation ID: 2190105). An algorithm developed to predict the effect of missense changes on protein structure and function (PolyPhen-2) suggests that this variant is likely to be tolerated. In summary, the available evidence is currently insufficient to determine the role of this variant in disease. Therefore, it has been classified as a Variant of Uncertain Significance.

Ambry Genetics
Classification: Uncertain significance for Inborn genetic diseases. Last evaluated: 2023-05-17. Review status: criteria provided, single submitter. Criteria: Ambry Variant Classification Scheme 2023. Collection method: clinical testing. Allele origin: germline.